The following is an entry in ClinVar:

NM_022436.3(ABCG5):c.1891A>C (p.Ile631Leu)

Genes: ABCG5 (ATP binding cassette subfamily G member 5; minus strand), DYNC2LI1 (dynein cytoplasmic 2 light intermediate chain 1; plus strand). Cytogenetic location: 2p21.
Variant type: single nucleotide variant.
Coding change: c.1891A>C on transcript NM_022436.3 (MANE Select); coding-DNA position 1891, A replaced by C.
Protein change: p.Ile631Leu; replaces isoleucine 631 with leucine.
Molecular consequence: missense variant. On other transcripts: intron variant (2).
Genome position (GRCh38, 1-based): chr2:43,813,181, T>G on the plus strand (A>C on the coding strand, the complement: ABCG5 is on the minus strand). VCF-style: chr2-43813181-T-G. GRCh37 (hg19) VCF-style: chr2-44040320-T-G.
Other names: c.*15+2657T>G (NM_001348913.2, NM_001348912.2); short protein forms I631L.
Identifiers: ClinVar variation 3992562 (VCV003992562.1).

ClinVar aggregate classification (germline): Uncertain significance (1 of 4 stars; one submission).

Conditions:
Cardiovascular phenotype. Identifiers: MedGen CN230736.

Submission:

Ambry Genetics
Classification: Uncertain significance for Cardiovascular phenotype. Last evaluated: 2025-05-15. Review status: criteria provided, single submitter. Criteria: Ambry Variant Classification Scheme 2023. Collection method: clinical testing. Allele origin: germline.
Comment: The p.I631L variant (also known as c.1891A>C), located in coding exon 13 of the ABCG5 gene, results from an A to C substitution at nucleotide position 1891. The isoleucine at codon 631 is replaced by leucine, an amino acid with highly similar properties. This amino acid position is conserved. In addition, this alteration is predicted to be tolerated by in silico analysis. Based on the available evidence, the clinical significance of this variant remains unclear.